The following is an entry in ClinVar:

ClinVar aggregate classification (germline): Benign/Likely benign. Review status: criteria provided, multiple submitters, no conflicts (2 of 4 stars). 4 submissions from 4 submitters: Benign (3); Likely benign (1). Last evaluated 2025-12-31.

Submissions (4):

Labcorp Genetics (formerly Invitae), Labcorp
Classification: Benign. Last evaluated: 2025-12-31. Review status: criteria provided, single submitter. Criteria: Invitae Variant Classification Sherloc (09022015). Collection method: clinical testing. Allele origin: germline.

Mayo Clinic Laboratories, Mayo Clinic
Classification: Likely benign. Last evaluated: 2025-11-13. Review status: criteria provided, single submitter. Criteria: ACMG Guidelines, 2015. Collection method: clinical testing. Allele origin: germline. Observed: 2 variant alleles.
Comment: BS1, BP4, BP7

Blueprint Genetics
Classification: Benign. Last evaluated: 2024-11-27. Review status: criteria provided, single submitter. Criteria: ACMG Guidelines, 2015. Collection method: clinical testing. Allele origin: germline.

Athena Diagnostics
Classification: Benign. Last evaluated: 2017-11-29. Review status: criteria provided, single submitter. Criteria: Athena Diagnostics Criteria. Collection method: clinical testing. Allele origin: germline.

NM_004621.6(TRPC6):c.1293+6_1293+18del

Gene: TRPC6 (transient receptor potential cation channel subfamily C member 6; minus strand). Cytogenetic location: 11q22.1.
Variant type: Deletion.
Coding change: c.1293+6_1293+18del on transcript NM_004621.6 (MANE Select); bases 6 to 18 of the intron after coding-DNA position 1293, 13 bases deleted (TATGTGAAGCCTG).
Molecular consequence: intron variant.
Genome position (GRCh38, 1-based): chr11:101,488,919-101,488,931, CAGGCTTCACATA deleted on the plus strand (TATGTGAAGCCTG on the coding strand, the reverse complement: TRPC6 is on the minus strand); deleting any 13 consecutive bases within chr11:101,488,919-101,488,933 gives the same sequence; the c. name uses the placement nearest the transcript's 3' end. VCF-style (leftmost placement, unchanged base first): chr11-101488918-CCAGGCTTCACATA-C. GRCh37 (hg19) VCF-style: chr11-101359649-CCAGGCTTCACATA-C.
Other names: c.1293+6_1293+18delTATGTGAAGCCTG (NM_004621.5).
Identifiers: ClinVar variation 586845 (VCV000586845.14), dbSNP rs371262137, ClinGen allele CA6244361.